The following is an entry in ClinVar:

NM_001122630.2(CDKN1C):c.631G>C (p.Glu211Gln)

Gene: CDKN1C (cyclin dependent kinase inhibitor 1C; minus strand). Cytogenetic location: 11p15.4.
Variant type: single nucleotide variant.
Coding change: c.631G>C on transcript NM_001122630.2 (MANE Select); coding-DNA position 631, G replaced by C.
Protein change: p.Glu211Gln; replaces glutamic acid 211 with glutamine.
Molecular consequence: missense variant. On other transcripts: intron variant (1).
Genome position (GRCh38, 1-based): chr11:2,884,826, C>G on the plus strand (G>C on the coding strand, the complement: CDKN1C is on the minus strand). VCF-style: chr11-2884826-C-G. GRCh37 (hg19) VCF-style: chr11-2906056-C-G.
Other names: c.664G>C, p.Glu222Gln (NM_000076.2, NM_001362474.2); c.631G>C, p.Glu211Gln (NM_001122631.2); c.255+376G>C (NM_001362475.2); short protein forms E222Q, E211Q.
Identifiers: ClinVar variation 1392339 (VCV001392339.8), dbSNP rs775889163, ClinGen allele CA5822197.

ClinVar aggregate classification (germline): Uncertain significance (1 of 4 stars; one submission).

Conditions:
Beckwith-Wiedemann syndrome (BWS). Also called: EMG SYNDROME; Exomphalos macroglossia gigantism syndrome. Identifiers: Orphanet 116, MedGen C0004903, MONDO:0007534, OMIM 130650.

Allele frequency attached by ClinVar (database versions not stated): gnomAD exomes below 0.00001; gnomAD 0.00001; TOPMed 0.00001.

Submission:

Labcorp Genetics (formerly Invitae), Labcorp
Classification: Uncertain significance for Beckwith-Wiedemann syndrome. Last evaluated: 2023-04-12. Review status: criteria provided, single submitter. Criteria: Invitae Variant Classification Sherloc (09022015). Collection method: clinical testing. Allele origin: germline.
Comment: This variant has not been reported in the literature in individuals affected with CDKN1C-related conditions. This variant is not present in population databases (gnomAD no frequency). This sequence change replaces glutamic acid, which is acidic and polar, with glutamine, which is neutral and polar, at codon 222 of the CDKN1C protein (p.Glu222Gln). In summary, the available evidence is currently insufficient to determine the role of this variant in disease. Therefore, it has been classified as a Variant of Uncertain Significance. Advanced modeling of protein sequence and biophysical properties (such as structural, functional, and spatial information, amino acid conservation, physicochemical variation, residue mobility, and thermodynamic stability) performed at Invitae indicates that this missense variant is not expected to disrupt CDKN1C protein function. ClinVar contains an entry for this variant (Variation ID: 1392339).